The following is an entry in ClinVar:

NM_030948.6(PHACTR1):c.5A>G (p.Asp2Gly)

Gene: PHACTR1 (phosphatase and actin regulator 1; plus strand). Cytogenetic location: 6p24.1.
Variant type: single nucleotide variant.
Coding change: c.5A>G on transcript NM_030948.6 (MANE Select); coding-DNA position 5, A replaced by G.
Protein change: p.Asp2Gly; replaces aspartic acid 2 with glycine.
Molecular consequence: missense variant.
Genome position (GRCh38, 1-based): chr6:12,718,749, A>G. VCF-style: chr6-12718749-A-G. GRCh37 (hg19) VCF-style: chr6-12718981-A-G.
Other names: c.5A>G, p.Asp2Gly (NM_001242648.4, NM_001322308.3, NM_001322309.3 and 4 more transcripts); short protein forms D2G.
Identifiers: ClinVar variation 4282178 (VCV004282178.1).

ClinVar aggregate classification (germline): Uncertain significance (1 of 4 stars; one submission).

Submission:

GeneDx
Classification: Uncertain significance. Last evaluated: 2025-04-14. Review status: criteria provided, single submitter. Criteria: GeneDx Variant Classification Process June 2021. Collection method: clinical testing. Allele origin: germline. Affected: yes.
Comment: Not observed at significant frequency in large population cohorts (gnomAD); In silico analysis supports that this missense variant has a deleterious effect on protein structure/function; Has not been previously published as pathogenic or benign to our knowledge